The following is an entry in ClinVar:

NM_001197104.2(KMT2A):c.593C>T (p.Pro198Leu)

Gene: KMT2A (lysine methyltransferase 2A; plus strand). Cytogenetic location: 11q23.3.
Variant type: single nucleotide variant.
Coding change: c.593C>T on transcript NM_001197104.2 (MANE Select); coding-DNA position 593, C replaced by T.
Protein change: p.Pro198Leu; replaces proline 198 with leucine.
Molecular consequence: missense variant.
Genome position (GRCh38, 1-based): chr11:118,471,752, C>T. VCF-style: chr11-118471752-C-T. GRCh37 (hg19) VCF-style: chr11-118342467-C-T.
Other names: c.692C>T, p.Pro231Leu (NM_001412597.1); c.593C>T, p.Pro198Leu (NM_005933.4); short protein forms P198L, P231L.
Identifiers: ClinVar variation 2761154 (VCV002761154.3), dbSNP rs1949945931, ClinGen allele CA382806924.

ClinVar aggregate classification (germline): Uncertain significance (1 of 4 stars; one submission).

Allele frequency attached by ClinVar (database versions not stated): gnomAD exomes below 0.00001.
gnomAD v4.1: 1 of 1,613,538 alleles (0.000062%); highest among the groups gnomAD compares: Non-Finnish European, 0.000085%; no homozygotes.

Submission:

Labcorp Genetics (formerly Invitae), Labcorp
Classification: Uncertain significance. Last evaluated: 2023-09-17. Review status: criteria provided, single submitter. Criteria: Invitae Variant Classification Sherloc (09022015). Collection method: clinical testing. Allele origin: germline.
Comment: This variant is not present in population databases (gnomAD no frequency). In summary, the available evidence is currently insufficient to determine the role of this variant in disease. Therefore, it has been classified as a Variant of Uncertain Significance. Advanced modeling of protein sequence and biophysical properties (such as structural, functional, and spatial information, amino acid conservation, physicochemical variation, residue mobility, and thermodynamic stability) has been performed at Invitae for this missense variant, however the output from this modeling did not meet the statistical confidence thresholds required to predict the impact of this variant on KMT2A protein function. This variant has not been reported in the literature in individuals affected with KMT2A-related conditions. This sequence change replaces proline, which is neutral and non-polar, with leucine, which is neutral and non-polar, at codon 198 of the KMT2A protein (p.Pro198Leu).